The following is an entry in ClinVar:

ClinVar aggregate classification (germline): Uncertain significance. Review status: criteria provided, multiple submitters, no conflicts (2 of 4 stars). 2 submissions from 2 submitters: Uncertain significance (2). Last evaluated 2026-01-28.

Conditions:
AARS1-related disorder. Also called: AARS1-related condition.
Charcot-Marie-Tooth disease type 2. Also called: Charcot-Marie-Tooth type 2. Identifiers: Orphanet 64746, MedGen C0270914, MONDO:0018993.

Allele frequency attached by ClinVar (database versions not stated): gnomAD 0.00001; ExAC 0.00002; gnomAD exomes 0.00002 and 0.00004; TOPMed 0.00002.
gnomAD v4.1: 31 of 1,614,012 alleles (0.0019%); highest among the groups gnomAD compares: Admixed American, 0.01%; no homozygotes.

Submissions (2):

Labcorp Genetics (formerly Invitae), Labcorp
Classification: Uncertain significance for Charcot-Marie-Tooth disease type 2. Last evaluated: 2026-01-28. Review status: criteria provided, single submitter. Criteria: Invitae Variant Classification Sherloc (09022015). Collection method: clinical testing. Allele origin: germline.
Comment: This sequence change replaces arginine, which is basic and polar, with tryptophan, which is neutral and slightly polar, at codon 476 of the AARS protein (p.Arg476Trp). This variant is present in population databases (rs780059987, gnomAD 0.01%). This variant has not been reported in the literature in individuals affected with AARS-related conditions. ClinVar contains an entry for this variant (Variation ID: 846751). An algorithm developed to predict the effect of missense changes on protein structure and function (PolyPhen-2) suggests that this variant is likely to be disruptive. In summary, the available evidence is currently insufficient to determine the role of this variant in disease. Therefore, it has been classified as a Variant of Uncertain Significance.

PreventionGenetics, part of Exact Sciences
Classification: Uncertain significance for AARS1-related condition. Last evaluated: 2024-12-10. Review status: criteria provided, single submitter. Criteria: ACMG Guidelines, 2015. Collection method: clinical testing. Allele origin: germline.
Comment: The AARS1 c.1426C>T variant is predicted to result in the amino acid substitution p.Arg476Trp. To our knowledge, this variant has not been reported in the literature. This variant is reported in 0.012% of alleles in individuals of Latino descent in gnomAD, which is likely too common for this variant to be a primary cause of autosomal dominant disease. At this time, the clinical significance of this variant is uncertain due to the absence of conclusive functional and genetic evidence.

NM_001605.3(AARS1):c.1426C>T (p.Arg476Trp)

Gene: AARS1 (alanyl-tRNA synthetase 1; minus strand). Cytogenetic location: 16q22.1.
Variant type: single nucleotide variant.
Coding change: c.1426C>T on transcript NM_001605.3 (MANE Select); coding-DNA position 1426, C replaced by T.
Protein change: p.Arg476Trp; replaces arginine 476 with tryptophan.
Molecular consequence: missense variant.
Genome position (GRCh38, 1-based): chr16:70,265,024, G>A on the plus strand (C>T on the coding strand, the complement: AARS1 is on the minus strand). VCF-style: chr16-70265024-G-A. GRCh37 (hg19) VCF-style: chr16-70298927-G-A.
Other names: short protein forms R476W.
Identifiers: ClinVar variation 846751 (VCV000846751.8), dbSNP rs780059987, ClinGen allele CA8140818.